The following is an entry in ClinVar:

NM_001354601.3(IVD):c.1272G>C (p.Leu424=)

Gene: IVD (isovaleryl-CoA dehydrogenase; plus strand). Cytogenetic location: 15q15.1.
Variant type: single nucleotide variant.
Coding change: c.1272G>C on transcript NM_001354601.3; coding-DNA position 1272, G replaced by C.
Protein change: p.Leu424=; no amino-acid change (leucine 424 retained).
Molecular consequence: synonymous variant. On other transcripts: 3 prime UTR variant (2), non-coding transcript variant (1).
Genome position (GRCh38, 1-based): chr15:40,435,550, G>C. VCF-style: chr15-40435550-G-C. GRCh37 (hg19) VCF-style: chr15-40727749-G-C.
Other names: c.*19G>C (NM_001354598.3, NM_001354600.3).
Identifiers: ClinVar variation 3039601 (VCV003039601.2), dbSNP rs138052240, ClinGen allele CA7480966.

ClinVar aggregate classification (germline): Likely benign (0 of 4 stars; one submission).

Conditions:
IVD-related disorder. Also called: IVD-related condition.

Allele frequency attached by ClinVar (database versions not stated): gnomAD 0.00089; ExAC 0.00024; 1000 Genomes Project 30x 0.00031; 1000 Genomes Project 0.00040; TOPMed 0.00086.
gnomAD v4.1: 1,745 of 1,183,872 alleles (0.15%); highest among the groups gnomAD compares: Non-Finnish European, 0.18%; 1 homozygote.

Submission:

PreventionGenetics, part of Exact Sciences
Classification: Likely benign for IVD-related condition. Last evaluated: 2024-05-01. Review status: no assertion criteria provided. Collection method: clinical testing. Allele origin: germline.
Comment: This variant is classified as likely benign based on ACMG/AMP sequence variant interpretation guidelines (Richards et al. 2015 PMID: 25741868, with internal and published modifications).